The following is an entry in ClinVar:

NM_001165963.4(SCN1A):c.1001T>C (p.Leu334Pro)

Gene: SCN1A (sodium voltage-gated channel alpha subunit 1; minus strand). Cytogenetic location: 2q24.3.
Variant type: single nucleotide variant.
Coding change: c.1001T>C on transcript NM_001165963.4 (MANE Select); coding-DNA position 1001, T replaced by C.
Protein change: p.Leu334Pro; replaces leucine 334 with proline.
Molecular consequence: missense variant. On other transcripts: 5 prime UTR variant (1), non-coding transcript variant (1).
Genome position (GRCh38, 1-based): chr2:166,048,913, A>G on the plus strand (T>C on the coding strand, the complement: SCN1A is on the minus strand). VCF-style: chr2-166048913-A-G. GRCh37 (hg19) VCF-style: chr2-166905423-A-G.
Other names: c.1001T>C, p.Leu334Pro (NM_001165964.3, NM_001202435.3, NM_001353948.2 and 10 more transcripts); c.-1425T>C (NM_001353961.2); short protein forms L334P.
Identifiers: ClinVar variation 581861 (VCV000581861.9), dbSNP rs1559231284, ClinGen allele CA349071628.

ClinVar aggregate classification (germline): Pathogenic (1 of 4 stars; one submission).

Conditions:
Early-infantile DEE. Also called: Early infantile epileptic encephalopathy with suppression bursts; Early infantile epileptic encephalopathy; Ohtahara syndrome. Identifiers: Orphanet 1934, MedGen C0393706, MONDO:0800491.

Submission:

Labcorp Genetics (formerly Invitae), Labcorp
Classification: Pathogenic for Early-infantile DEE. Last evaluated: 2024-09-30. Review status: criteria provided, single submitter. Criteria: Invitae Variant Classification Sherloc (09022015). Collection method: clinical testing. Allele origin: germline.
Comment: This sequence change replaces leucine, which is neutral and non-polar, with proline, which is neutral and non-polar, at codon 334 of the SCN1A protein (p.Leu334Pro). This variant is not present in population databases (gnomAD no frequency). This missense change has been observed in individual(s) with clinical features of SCN1A-related conditions (internal data). In at least one individual the variant was observed to be de novo. ClinVar contains an entry for this variant (Variation ID: 581861). Invitae Evidence Modeling of protein sequence and biophysical properties (such as structural, functional, and spatial information, amino acid conservation, physicochemical variation, residue mobility, and thermodynamic stability) indicates that this missense variant is expected to disrupt SCN1A protein function with a positive predictive value of 95%. For these reasons, this variant has been classified as Pathogenic.